The following is an entry in ClinVar:

NM_003919.3(SGCE):c.1037+2dup

Genes: CASD1 (CAS1 domain sialic acid O acetyltransferase 1; plus strand), SGCE (sarcoglycan epsilon; minus strand). Cytogenetic location: 7q21.3.
Variant type: Duplication.
Coding change: c.1037+2dup on transcript NM_003919.3 (MANE Select); the canonical splice donor site of the intron after coding-DNA position 1037, one base duplicated (T; older notation c.1037+2dupT).
Molecular consequence: splice donor variant.
Genome position (GRCh38, 1-based): chr7:94,600,644, A duplicated on the plus strand (T on the coding strand, the reverse complement: SGCE is on the minus strand). VCF-style (leftmost placement, unchanged base first): chr7-94600643-C-CA. GRCh37 (hg19) VCF-style: chr7-94229955-C-CA.
Other names: c.1037+2dup (NM_001099401.2, NM_001346717.2, NM_001099400.2); c.1145+2dup (NM_001346715.2, NM_001346713.2); c.950+2dup (NM_001362807.2, NM_001346719.2); c.764+2dup (NM_001362808.2, NM_001346720.2); c.914+2dup (NM_001362809.2, NM_001301139.2).
Identifiers: ClinVar variation 3657054 (VCV003657054.3).

ClinVar aggregate classification (germline): Uncertain significance (1 of 4 stars; one submission).

Conditions:
Myoclonic dystonia 11 (DYT11). Also called: Myoclonic dystonia; Dystonia 11; Dystonia, alcohol responsive; Hereditary essential myoclonus; SGCE Myoclonus-Dystonia; Myoclonus-Dystonia. Identifiers: Orphanet 36899, MedGen C1834570, MONDO:0008044, OMIM 159900.

Submission:

Labcorp Genetics (formerly Invitae), Labcorp
Classification: Uncertain significance for Myoclonic dystonia 11. Last evaluated: 2024-06-19. Review status: criteria provided, single submitter. Criteria: Invitae Variant Classification Sherloc (09022015). Collection method: clinical testing. Allele origin: germline.
Comment: This sequence change falls in intron 7 of the SGCE gene. It does not directly change the encoded amino acid sequence of the SGCE protein. It affects a nucleotide within the consensus splice site. This variant is not present in population databases (gnomAD no frequency). This variant has not been reported in the literature in individuals affected with SGCE-related conditions. Variants that disrupt the consensus splice site are a relatively common cause of aberrant splicing (PMID: 17576681, 9536098). Algorithms developed to predict the effect of sequence changes on RNA splicing suggest that this variant may disrupt the consensus splice site. In summary, the available evidence is currently insufficient to determine the role of this variant in disease. Therefore, it has been classified as a Variant of Uncertain Significance.

Literature cited by the submitters: PubMed 17576681; PubMed 9536098.